The following is an entry in ClinVar:

ClinVar aggregate classification (germline): Uncertain significance (1 of 4 stars; one submission).

Allele frequency attached by ClinVar (database versions not stated): gnomAD exomes below 0.00001.
gnomAD v4.1: 1 of 1,613,830 alleles (0.000062%); highest among the groups gnomAD compares: East Asian, 0.0022%; no homozygotes.

Submission:

Labcorp Genetics (formerly Invitae), Labcorp
Classification: Uncertain significance. Last evaluated: 2022-09-27. Review status: criteria provided, single submitter. Criteria: Invitae Variant Classification Sherloc (09022015). Collection method: clinical testing. Allele origin: germline.
Comment: This sequence change replaces glutamic acid, which is acidic and polar, with glycine, which is neutral and non-polar, at codon 200 of the C1QTNF5 protein (p.Glu200Gly). This variant is not present in population databases (gnomAD no frequency). This variant has not been reported in the literature in individuals affected with C1QTNF5-related conditions. Algorithms developed to predict the effect of missense changes on protein structure and function are either unavailable or do not agree on the potential impact of this missense change (SIFT: "Tolerated"; PolyPhen-2: "Possibly Damaging"; Align-GVGD: "Class C0"). In summary, the available evidence is currently insufficient to determine the role of this variant in disease. Therefore, it has been classified as a Variant of Uncertain Significance. ClinVar contains an entry for this variant (Variation ID: 1478649).

NM_001278431.2(C1QTNF5):c.599A>G (p.Glu200Gly)

Genes: C1QTNF5 (C1q and TNF related 5; minus strand), MFRP (membrane frizzled-related protein; minus strand). Cytogenetic location: 11q23.3.
Variant type: single nucleotide variant.
Coding change: c.599A>G on transcript NM_001278431.2 (MANE Select); coding-DNA position 599, A replaced by G.
Protein change: p.Glu200Gly; replaces glutamic acid 200 with glycine.
Molecular consequence: missense variant. On other transcripts: 3 prime UTR variant (1).
Genome position (GRCh38, 1-based): chr11:119,339,464, T>C on the plus strand (A>G on the coding strand, the complement: C1QTNF5 is on the minus strand). VCF-style: chr11-119339464-T-C. GRCh37 (hg19) VCF-style: chr11-119210174-T-C.
Other names: c.599A>G, p.Glu200Gly (NM_015645.5); c.*1495A>G (NM_031433.4); short protein forms E200G.
Identifiers: ClinVar variation 1478649 (VCV001478649.6), dbSNP rs1591299161, ClinGen allele CA382968315.
Genomic context (GRCh38, chr11:119,339,464, plus strand): 5'-CTGGCATAGATGCCAATGTAGTCACCCACACCCACCTGCACCCACACTTGGTCCTCAGGC[T>C]CCAGCCTCACCATGGCCCCCCCCGAGAGCGAGGCTGGCTTGGGCCACCCCCCGAAAAACT-3'
Protein context (NP_001265360.1, residues 190-210): SLSGGAMVRL[Glu200Gly]PEDQVWVQVG